The following is an entry in ClinVar:

NM_001845.6(COL4A1):c.2450G>T (p.Gly817Val)

Gene: COL4A1 (collagen type IV alpha 1 chain; minus strand). Cytogenetic location: 13q34.
Variant type: single nucleotide variant.
Coding change: c.2450G>T on transcript NM_001845.6 (MANE Select); coding-DNA position 2450, G replaced by T.
Protein change: p.Gly817Val; replaces glycine 817 with valine.
Molecular consequence: missense variant.
Genome position (GRCh38, 1-based): chr13:110,178,931, C>A on the plus strand (G>T on the coding strand, the complement: COL4A1 is on the minus strand). VCF-style: chr13-110178931-C-A. GRCh37 (hg19) VCF-style: chr13-110831278-C-A.
Other names: short protein forms G817V.
Identifiers: ClinVar variation 4854113 (VCV004854113.1).

ClinVar aggregate classification (germline): Uncertain significance (1 of 4 stars; one submission).

Conditions:
Brain small vessel disease 1 with or without ocular anomalies (BSVD1). Also called: PORENCEPHALY, TYPE 1, AUTOSOMAL DOMINANT; GOULD SYNDROME 1; BRAIN SMALL VESSEL DISEASE WITH HEMORRHAGE; Brain small vessel disease with or without ocular anomalies. Identifiers: Orphanet 2940, Orphanet 36383, Orphanet 99810, MedGen C4755307, MONDO:0008289, OMIM 175780.

Submission:

3billion
Classification: Uncertain significance for Brain small vessel disease 1 with or without ocular anomalies. Last evaluated: 2025-06-16. Review status: criteria provided, single submitter. Criteria: ACMG Guidelines, 2015. Collection method: clinical testing. Allele origin: germline. Affected: yes.
Comment: The variant is not observed in the gnomAD v4.1.0 dataset. Predicted Consequence/Location: Missense variant In silico tool predictions suggest damaging effect of the variant on gene or gene product [REVEL: 0.91 (>=0.6, sensitivity 0.68 and specificity 0.92); 3Cnet: 0.91 (> 0.75, sensitivity 0.96 and precision 0.92)]. Different missense changes at the same codon (p.Gly817Arg, p.Gly817Glu) have been reported as pathogenic/likely pathogenic with strong evidence (ClinVar ID: VCV000978038, VCV002023253 /PMID: 32732225). Therefore, this variant is classified as VUS according to the recommendation of ACMG/AMP guideline.

Literature cited by the submitters: PubMed 32732225.